The following is an entry in ClinVar:

NM_000477.7(ALB):c.1225C>A (p.Gln409Lys)

Gene: ALB (albumin; plus strand). Cytogenetic location: 4q13.3.
Variant type: single nucleotide variant.
Coding change: c.1225C>A on transcript NM_000477.7 (MANE Select); coding-DNA position 1225, C replaced by A.
Protein change: p.Gln409Lys; replaces glutamine 409 with lysine.
Molecular consequence: missense variant.
Genome position (GRCh38, 1-based): chr4:73,416,289, C>A. VCF-style: chr4-73416289-C-A. GRCh37 (hg19) VCF-style: chr4-74282006-C-A.
Other names: c.1225C>A (NM_000477.5); short protein forms Q409K.
Identifiers: ClinVar variation 2420291 (VCV002420291.7), dbSNP rs75946332, ClinGen allele CA2959591.

ClinVar aggregate classification (germline): Conflicting classifications of pathogenicity. Review status: criteria provided, conflicting classifications (1 of 4 stars). 2 submissions from 2 submitters: Uncertain significance (1); Likely benign (1). Last evaluated 2026-01-05.

Conditions:
Inborn genetic diseases. Identifiers: MedGen C0950123, MeSH D030342.

Allele frequency attached by ClinVar (database versions not stated): TOPMed below 0.00001; ExAC 0.00001.
gnomAD v4.1: 8 of 1,613,598 alleles (0.0005%); highest among the groups gnomAD compares: Middle Eastern, 0.017%; no homozygotes.

Submissions (2):

Labcorp Genetics (formerly Invitae), Labcorp
Classification: Uncertain significance. Last evaluated: 2026-01-05. Review status: criteria provided, single submitter. Criteria: Invitae Variant Classification Sherloc (09022015). Collection method: clinical testing. Allele origin: germline.
Comment: This sequence change replaces glutamine, which is neutral and polar, with lysine, which is basic and polar, at codon 409 of the ALB protein (p.Gln409Lys). This variant is present in population databases (rs75946332, gnomAD 0.0009%). This variant has not been reported in the literature in individuals affected with ALB-related conditions. ClinVar contains an entry for this variant (Variation ID: 2420291). Invitae Evidence Modeling of protein sequence and biophysical properties (such as structural, functional, and spatial information, amino acid conservation, physicochemical variation, residue mobility, and thermodynamic stability) indicates that this missense variant is not expected to disrupt ALB protein function with a negative predictive value of 80%. In summary, the available evidence is currently insufficient to determine the role of this variant in disease. Therefore, it has been classified as a Variant of Uncertain Significance.

Ambry Genetics
Classification: Likely benign for Inborn genetic diseases. Last evaluated: 2024-03-18. Review status: criteria provided, single submitter. Criteria: Ambry Variant Classification Scheme 2023. Collection method: clinical testing. Allele origin: germline.